The following is an entry in ClinVar:

ClinVar aggregate classification (germline): Conflicting classifications of pathogenicity. Review status: criteria provided, conflicting classifications (1 of 4 stars). 2 submissions from 2 submitters: Uncertain significance (1); Likely benign (1). Last evaluated 2025-11-26.

Conditions:
Inborn genetic diseases. Identifiers: MedGen C0950123, MeSH D030342.
Congenital disorder of deglycosylation (CDDG). Identifiers: MedGen C3808991, MONDO:0031376.

Submissions (2):

Ambry Genetics
Classification: Likely benign for Inborn genetic diseases. Last evaluated: 2025-11-26. Review status: criteria provided, single submitter. Criteria: Ambry Variant Classification Scheme 2023. Collection method: clinical testing. Allele origin: germline.

Labcorp Genetics (formerly Invitae), Labcorp
Classification: Uncertain significance for Congenital disorder of deglycosylation. Last evaluated: 2021-09-02. Review status: criteria provided, single submitter. Criteria: Invitae Variant Classification Sherloc (09022015). Collection method: clinical testing. Allele origin: germline.
Comment: This sequence change replaces serine with leucine at codon 140 of the NGLY1 protein (p.Ser140Leu). The serine residue is weakly conserved and there is a large physicochemical difference between serine and leucine. This variant is not present in population databases (ExAC no frequency). This variant has not been reported in the literature in individuals affected with NGLY1-related conditions. Algorithms developed to predict the effect of missense changes on protein structure and function (SIFT, PolyPhen-2, Align-GVGD) all suggest that this variant is likely to be tolerated. In summary, the available evidence is currently insufficient to determine the role of this variant in disease. Therefore, it has been classified as a Variant of Uncertain Significance.

NM_018297.4(NGLY1):c.419C>T (p.Ser140Leu)

Gene: NGLY1 (N-glycanase 1; minus strand). Cytogenetic location: 3p24.2.
Variant type: single nucleotide variant.
Coding change: c.419C>T on transcript NM_018297.4 (MANE Select); coding-DNA position 419, C replaced by T.
Protein change: p.Ser140Leu; replaces serine 140 with leucine.
Molecular consequence: missense variant.
Genome position (GRCh38, 1-based): chr3:25,764,139, G>A on the plus strand (C>T on the coding strand, the complement: NGLY1 is on the minus strand). VCF-style: chr3-25764139-G-A. GRCh37 (hg19) VCF-style: chr3-25805630-G-A.
Other names: c.419C>T (NM_018297.3); c.419C>T, p.Ser140Leu (NM_001145293.2, NM_001145295.2); c.293C>T, p.Ser98Leu (NM_001145294.2); short protein forms S98L, S140L.
Identifiers: ClinVar variation 1035967 (VCV001035967.3), dbSNP rs754379411, ClinGen allele CA351908805.